The following is an entry in ClinVar:

NM_014795.4(ZEB2):c.3213dup (p.Gln1072fs)

Gene: ZEB2 (zinc finger E-box binding homeobox 2; minus strand). Cytogenetic location: 2q22.3.
Variant type: Duplication.
Coding change: c.3213dup on transcript NM_014795.4 (MANE Select); coding-DNA position 3213, one base duplicated (G; older notation c.3213dupG).
Protein change: p.Gln1072fs; shifts the reading frame from glutamine 1072.
Molecular consequence: frameshift variant.
Genome position (GRCh38, 1-based): chr2:144,389,883, C duplicated on the plus strand (G on the coding strand, the reverse complement: ZEB2 is on the minus strand). VCF-style (leftmost placement, unchanged base first): chr2-144389882-G-GC. GRCh37 (hg19) VCF-style: chr2-145147449-G-GC.
Other names: c.3213dupG (NM_014795.3); c.3141dup, p.Gln1048fs (NM_001171653.2); short protein forms Q1072fs, Q1048fs.
Identifiers: ClinVar variation 504383 (VCV000504383.2), dbSNP rs1553960776, ClinGen allele CA658795854.
Genomic context (GRCh38, chr2:144,389,882, plus strand): 5'-CCGCCGCTTCCCGCTCCTCCGCCTCCCGCTTGCAGTAGGAATACCTGTGATTCATGTGCT[G>GC]CGAGTACGAGCCCGAGTGTGAGAAGCGCTTGCCACATTTATCACACTGATAGGGCTTCTC-3'

ClinVar aggregate classification (germline): Pathogenic (1 of 4 stars; one submission).

Submission:

GeneDx
Classification: Pathogenic. Last evaluated: 2018-02-21. Review status: criteria provided, single submitter. Criteria: GeneDx Variant Classification (06012015). Collection method: clinical testing. Allele origin: germline. Affected: yes.
Comment: The c.3213dupG variant in the ZEB2 gene has not been reported previously as a pathogenic variant nor as a benign variant, to our knowledge. The c.3213dupG variant causes a frameshift starting with codon Glutamine 1072, changes this amino acid to an Alanine residue, and creates a premature Stop codon at position 52 of the new reading frame, denoted p.Gln1072AlafsX52. This variant is predicted to cause loss of normal protein function through protein truncation. The c.3213dupG variant is not observed in large population cohorts (Lek et al., 2016). We interpret c.3213dupG as a pathogenic variant.